The following is an entry in ClinVar:

NM_001365999.1(SZT2):c.1312C>T (p.Arg438Cys)

Gene: SZT2 (SZT2 subunit of KICSTOR complex; plus strand). Cytogenetic location: 1p34.2.
Variant type: single nucleotide variant.
Coding change: c.1312C>T on transcript NM_001365999.1 (MANE Select); coding-DNA position 1312, C replaced by T.
Protein change: p.Arg438Cys; replaces arginine 438 with cysteine.
Molecular consequence: missense variant.
Genome position (GRCh38, 1-based): chr1:43,420,799, C>T. VCF-style: chr1-43420799-C-T. GRCh37 (hg19) VCF-style: chr1-43886470-C-T.
Other names: c.1312C>T, p.Arg438Cys (NM_015284.4); short protein forms R438C.
Identifiers: ClinVar variation 949382 (VCV000949382.11), dbSNP rs373013502, ClinGen allele CA808393.

ClinVar aggregate classification (germline): Uncertain significance. Review status: criteria provided, multiple submitters, no conflicts (2 of 4 stars). 4 submissions from 4 submitters: Uncertain significance (4). Last evaluated 2023-08-02.

Conditions:
Inborn genetic diseases. Identifiers: MedGen C0950123, MeSH D030342.
Developmental and epileptic encephalopathy, 18 (DEE18). Also called: Early infantile epileptic encephalopathy 18. Identifiers: Orphanet 369894, MedGen C3809624, MONDO:0014201, OMIM 615476.

Allele frequency attached by ClinVar (database versions not stated): gnomAD exomes 0.00001 and 0.00003; ExAC 0.00004; TOPMed 0.00005; gnomAD 0.00006 and 0.00008; ESP Exome Variant Server 0.00017.
gnomAD v4.1: 19 of 1,598,300 alleles (0.0012%); highest among the groups gnomAD compares: African/African-American, 0.02%; no homozygotes.

Submissions (4):

Ambry Genetics
Classification: Uncertain significance for Inborn genetic diseases. Last evaluated: 2023-08-02. Review status: criteria provided, single submitter. Criteria: Ambry Variant Classification Scheme 2023. Collection method: clinical testing. Allele origin: germline.

Genome-Nilou Lab
Classification: Uncertain significance for Developmental and epileptic encephalopathy, 18. Last evaluated: 2023-04-11. Review status: criteria provided, single submitter. Criteria: ACMG Guidelines, 2015. Collection method: clinical testing. Allele origin: germline. Affected: no.

Labcorp Genetics (formerly Invitae), Labcorp
Classification: Uncertain significance. Last evaluated: 2022-03-23. Review status: criteria provided, single submitter. Criteria: Invitae Variant Classification Sherloc (09022015). Collection method: clinical testing. Allele origin: germline.
Comment: This sequence change replaces arginine, which is basic and polar, with cysteine, which is neutral and slightly polar, at codon 438 of the SZT2 protein (p.Arg438Cys). This variant is present in population databases (rs373013502, gnomAD 0.04%). This variant has not been reported in the literature in individuals affected with SZT2-related conditions. ClinVar contains an entry for this variant (Variation ID: 949382). Algorithms developed to predict the effect of missense changes on protein structure and function are either unavailable or do not agree on the potential impact of this missense change (SIFT: "Tolerated"; PolyPhen-2: "Probably Damaging"; Align-GVGD: "Class C0"). In summary, the available evidence is currently insufficient to determine the role of this variant in disease. Therefore, it has been classified as a Variant of Uncertain Significance.

GeneDx
Classification: Uncertain significance. Last evaluated: 2019-10-01. Review status: criteria provided, single submitter. Criteria: GeneDx Variant Classification Process June 2021. Collection method: clinical testing. Allele origin: germline. Affected: yes.
Comment: Not observed at a significant frequency in large population cohorts (Lek et al., 2016); In silico analysis, which includes protein predictors and evolutionary conservation, supports that this variant does not alter protein structure/function; Has not been previously published as pathogenic or benign to our knowledge